The following is an entry in ClinVar:

NM_000088.4(COL1A1):c.3726C>T (p.Ile1242=)

Gene: COL1A1 (collagen type I alpha 1 chain; minus strand). Cytogenetic location: 17q21.33.
Variant type: single nucleotide variant.
Coding change: c.3726C>T on transcript NM_000088.4 (MANE Select); coding-DNA position 3726, C replaced by T.
Protein change: p.Ile1242=; no amino-acid change (isoleucine 1242 retained).
Molecular consequence: synonymous variant.
Genome position (GRCh38, 1-based): chr17:50,186,728, G>A on the plus strand (C>T on the coding strand, the complement: COL1A1 is on the minus strand). VCF-style: chr17-50186728-G-A. GRCh37 (hg19) VCF-style: chr17-48264089-G-A.
Identifiers: ClinVar variation 456778 (VCV000456778.28), dbSNP rs768572265, ClinGen allele CA500991713.

ClinVar aggregate classification (germline): Likely benign. Review status: criteria provided, multiple submitters, no conflicts (2 of 4 stars). 3 submissions from 3 submitters: Likely benign (3). Last evaluated 2024-07-27.

Conditions:
Osteogenesis imperfecta type I (OI1). Also called: OI, TYPE I; OSTEOGENESIS IMPERFECTA TARDA; OSTEOGENESIS IMPERFECTA WITH BLUE SCLERAE; Osteogenesis imperfecta type 1; Lobstein's Disease; Classic Non-deforming Osteogenesis Imperfecta with Blue Sclerae. Identifiers: Orphanet 216796, Orphanet 666, MedGen C0023931, MONDO:0008146, OMIM 166200. Disease mechanism: loss of function.
Cardiovascular phenotype. Identifiers: MedGen CN230736.

Allele frequency attached by ClinVar (database versions not stated): TOPMed 0.00002.
gnomAD v4.1: 27 of 1,613,690 alleles (0.0017%); highest among the groups gnomAD compares: East Asian, 0.0089%; no homozygotes.

Submissions (3):

Labcorp Genetics (formerly Invitae), Labcorp
Classification: Likely benign for Osteogenesis imperfecta type I. Last evaluated: 2024-07-27. Review status: criteria provided, single submitter. Criteria: Invitae Variant Classification Sherloc (09022015). Collection method: clinical testing. Allele origin: germline.

CeGaT Center for Human Genetics Tuebingen
Classification: Likely benign. Last evaluated: 2024-07-01. Review status: criteria provided, single submitter. Criteria: CeGaT Center For Human Genetics Tuebingen Variant Classification Criteria Version 2. Collection method: clinical testing. Allele origin: germline. Affected: yes. Observed: 1 variant allele.
Comment: COL1A1: BP4, BP7

Ambry Genetics
Classification: Likely benign for Cardiovascular phenotype. Last evaluated: 2019-07-05. Review status: criteria provided, single submitter. Criteria: Ambry Variant Classification Scheme 2023. Collection method: clinical testing. Allele origin: germline.